The following is an entry in ClinVar:

ClinVar aggregate classification (germline): Uncertain significance (1 of 4 stars; one submission).

gnomAD v4.1: 1 of 1,612,916 alleles (0.000062%); highest among the groups gnomAD compares: South Asian, 0.0011%; no homozygotes.

Submission:

Ambry Genetics
Classification: Uncertain significance. Last evaluated: 2026-08-15. Review status: criteria provided, single submitter. Criteria: Ambry Variant Classification Scheme 2023. Collection method: clinical testing. Allele origin: germline.
Comment: The p.Q30R variant (also known as c.89A>G), located in coding exon 1 of the MC1R gene, results from an A to G substitution at nucleotide position 89. The glutamine at codon 30 is replaced by arginine, an amino acid with highly similar properties. This amino acid position is conserved. In addition, this alteration is predicted to be tolerated by in silico analysis. Based on the available evidence, the clinical significance of this variant remains unclear.

NM_002386.4(MC1R):c.89A>G (p.Gln30Arg)

Gene: MC1R (melanocortin 1 receptor; plus strand). Cytogenetic location: 16q24.3.
Variant type: single nucleotide variant.
Coding change: c.89A>G on transcript NM_002386.4 (MANE Select); coding-DNA position 89, A replaced by G.
Protein change: p.Gln30Arg; replaces glutamine 30 with arginine.
Molecular consequence: missense variant.
Genome position (GRCh38, 1-based): chr16:89,919,347, A>G. VCF-style: chr16-89919347-A-G. GRCh37 (hg19) VCF-style: chr16-89985755-A-G.
Other names: short protein forms Q30R.
Identifiers: ClinVar variation 5024080 (VCV005024080.1).
Genomic context (GRCh38, chr16:89,919,347, plus strand): 5'-TTCTGGGCTCCCTCAACTCCACCCCCACAGCCATCCCCCAGCTGGGGCTGGCTGCCAACC[A>G]GACAGGAGCCCGGTGCCTGGAGGTGTCCATCTCTGACGGGCTCTTCCTCAGCCTGGGGCT-3'
Protein context (NP_002377.4, residues 20-40): AIPQLGLAAN[Gln30Arg]TGARCLEVSI